The following is an entry in ClinVar:

NM_000079.4(CHRNA1):c.284T>A (p.Val95Glu)

Gene: CHRNA1 (cholinergic receptor nicotinic alpha 1 subunit; minus strand). Cytogenetic location: 2q31.1.
Variant type: single nucleotide variant.
Coding change: c.284T>A on transcript NM_000079.4 (MANE Select); coding-DNA position 284, T replaced by A.
Protein change: p.Val95Glu; replaces valine 95 with glutamic acid.
Molecular consequence: missense variant.
Genome position (GRCh38, 1-based): chr2:174,757,626, A>T on the plus strand (T>A on the coding strand, the complement: CHRNA1 is on the minus strand). VCF-style: chr2-174757626-A-T. GRCh37 (hg19) VCF-style: chr2-175622354-A-T.
Other names: c.359T>A, p.Val120Glu (NM_001039523.3); short protein forms V120E, V95E.
Identifiers: ClinVar variation 2841913 (VCV002841913.3), dbSNP rs1574010005, ClinGen allele CA349343607.

ClinVar aggregate classification (germline): Uncertain significance (1 of 4 stars; one submission).

Conditions:
Lethal multiple pterygium syndrome (LMPS). Identifiers: Orphanet 33108, MedGen C1854678, MONDO:0009668, OMIM 253290.

Submission:

Labcorp Genetics (formerly Invitae), Labcorp
Classification: Uncertain significance for Lethal multiple pterygium syndrome. Last evaluated: 2023-04-11. Review status: criteria provided, single submitter. Criteria: Invitae Variant Classification Sherloc (09022015). Collection method: clinical testing. Allele origin: germline.
Comment: This variant is not present in population databases (gnomAD no frequency). This sequence change replaces valine, which is neutral and non-polar, with glutamic acid, which is acidic and polar, at codon 95 of the CHRNA1 protein (p.Val95Glu). In summary, the available evidence is currently insufficient to determine the role of this variant in disease. Therefore, it has been classified as a Variant of Uncertain Significance. Algorithms developed to predict the effect of sequence changes on RNA splicing suggest that this variant may create or strengthen a splice site. Advanced modeling of protein sequence and biophysical properties (such as structural, functional, and spatial information, amino acid conservation, physicochemical variation, residue mobility, and thermodynamic stability) performed at Invitae indicates that this missense variant is not expected to disrupt CHRNA1 protein function. This variant has not been reported in the literature in individuals affected with CHRNA1-related conditions.